The following is an entry in ClinVar:

ClinVar aggregate classification (germline): Uncertain significance (1 of 4 stars; one submission).

Conditions:
Hereditary cancer-predisposing syndrome. Also called: Neoplastic Syndromes, Hereditary; Tumor predisposition; Hereditary Cancer Syndrome; Hereditary neoplastic syndrome. Identifiers: Orphanet 140162, MedGen C0027672, MeSH D009386, MONDO:0015356.

Allele frequency attached by ClinVar (database versions not stated): gnomAD exomes 0.00001.
gnomAD v4.1: 3 of 1,614,116 alleles (0.00019%); highest among the groups gnomAD compares: Non-Finnish European, 0.00025%; no homozygotes.

Submission:

Ambry Genetics
Classification: Uncertain significance for Hereditary cancer-predisposing syndrome. Last evaluated: 2022-10-11. Review status: criteria provided, single submitter. Criteria: Ambry Variant Classification Scheme 2023. Collection method: clinical testing. Allele origin: germline.
Comment: The p.K1277R variant (also known as c.3830A>G), located in coding exon 18 of the MET gene, results from an A to G substitution at nucleotide position 3830. The lysine at codon 1277 is replaced by arginine, an amino acid with highly similar properties. This amino acid position is conserved. In addition, the in silico prediction for this alteration is inconclusive. Since supporting evidence is limited at this time, the clinical significance of this alteration remains unclear.

NM_000245.4(MET):c.3776A>G (p.Lys1259Arg)

Gene: MET (MET proto-oncogene, receptor tyrosine kinase; plus strand). Cytogenetic location: 7q31.2.
Variant type: single nucleotide variant.
Coding change: c.3776A>G on transcript NM_000245.4 (MANE Select); coding-DNA position 3776, A replaced by G.
Protein change: p.Lys1259Arg; replaces lysine 1259 with arginine.
Molecular consequence: missense variant.
Genome position (GRCh38, 1-based): chr7:116,783,447, A>G. VCF-style: chr7-116783447-A-G. GRCh37 (hg19) VCF-style: chr7-116423501-A-G.
Other names: c.3830A>G, p.Lys1277Arg (NM_001127500.3); c.2486A>G, p.Lys829Arg (NM_001324402.2); short protein forms K829R, K1277R, K1259R.
Identifiers: ClinVar variation 1735350 (VCV001735350.2), dbSNP rs1379078529, ClinGen allele CA368991996.
Genomic context (GRCh38, chr7:116,783,447, plus strand): 5'-ACAAAACAGGTGCAAAGCTGCCAGTGAAGTGGATGGCTTTGGAAAGTCTGCAAACTCAAA[A>G]GTTTACCACCAAGTCAGATGTGGTAATGTATTGGTTATCTCTGAGTTTCTCCTCTTTTAC-3'
Protein context (NP_000236.2, residues 1249-1269): WMALESLQTQ[Lys1259Arg]FTTKSDVWSF